The following is an entry in ClinVar:

ClinVar aggregate classification (germline): Uncertain significance. Review status: criteria provided, multiple submitters, no conflicts (2 of 4 stars). 2 submissions from 2 submitters: Uncertain significance (2). Last evaluated 2026-01-19.

Allele frequency attached by ClinVar (database versions not stated): ESP Exome Variant Server 0.00016.
gnomAD v4.1: 64 of 1,613,262 alleles (0.004%); highest among the groups gnomAD compares: Non-Finnish European, 0.0046%; no homozygotes.

Submissions (2):

Labcorp Genetics (formerly Invitae), Labcorp
Classification: Uncertain significance. Last evaluated: 2026-01-19. Review status: criteria provided, single submitter. Criteria: Invitae Variant Classification Sherloc (09022015). Collection method: clinical testing. Allele origin: germline.
Comment: This sequence change replaces arginine, which is basic and polar, with leucine, which is neutral and non-polar, at codon 473 of the CAPN1 protein (p.Arg473Leu). This variant is present in population databases (rs201136905, gnomAD 0.004%). This missense change has been observed in individual(s) with hereditary spastic paraplegia (PMID: 28566166). ClinVar contains an entry for this variant (Variation ID: 1321673). Invitae Evidence Modeling of protein sequence and biophysical properties (such as structural, functional, and spatial information, amino acid conservation, physicochemical variation, residue mobility, and thermodynamic stability) indicates that this missense variant is not expected to disrupt CAPN1 protein function with a negative predictive value of 80%. In summary, the available evidence is currently insufficient to determine the role of this variant in disease. Therefore, it has been classified as a Variant of Uncertain Significance.

GeneDx
Classification: Uncertain significance. Last evaluated: 2021-03-18. Review status: criteria provided, single submitter. Criteria: GeneDx Variant Classification Process June 2021. Collection method: clinical testing. Allele origin: germline. Affected: yes.
Comment: In silico analysis supports that this missense variant has a deleterious effect on protein structure/function; Identified in cis with G74D and in trans with another CAPN1 missense variant in an individual with congenital onset pure spastic paraplegia in the published literature (Travaglini et al., 2017); This variant is associated with the following publications: (PMID: 28566166, 31982778, 29691679, 33486633, 30572172)

Literature cited by the submitters: PubMed 28566166 (cited by Labcorp Genetics (formerly Invitae), Labcorp).

NM_005186.4(CAPN1):c.1418G>T (p.Arg473Leu)

Gene: CAPN1 (calpain 1; plus strand). Cytogenetic location: 11q13.1.
Variant type: single nucleotide variant.
Coding change: c.1418G>T on transcript NM_005186.4 (MANE Select); coding-DNA position 1418, G replaced by T.
Protein change: p.Arg473Leu; replaces arginine 473 with leucine.
Molecular consequence: missense variant. On other transcripts: non-coding transcript variant (1).
Genome position (GRCh38, 1-based): chr11:65,206,527, G>T. VCF-style: chr11-65206527-G-T. GRCh37 (hg19) VCF-style: chr11-64973998-G-T.
Other names: c.1418G>T, p.Arg473Leu (NM_001198868.2, NM_001198869.2); short protein forms R473L.
Identifiers: ClinVar variation 1321673 (VCV001321673.6), dbSNP rs201136905, ClinGen allele CA6093432.